The following is an entry in ClinVar:

NM_003896.4(ST3GAL5):c.648C>T (p.Phe216=)

Gene: ST3GAL5 (ST3 beta-galactoside alpha-2,3-sialyltransferase 5; minus strand). Cytogenetic location: 2p11.2.
Variant type: single nucleotide variant.
Coding change: c.648C>T on transcript NM_003896.4 (MANE Select); coding-DNA position 648, C replaced by T.
Protein change: p.Phe216=; no amino-acid change (phenylalanine 216 retained).
Molecular consequence: synonymous variant. On other transcripts: 5 prime UTR variant (1).
Genome position (GRCh38, 1-based): chr2:85,847,875, G>A on the plus strand (C>T on the coding strand, the complement: ST3GAL5 is on the minus strand). VCF-style: chr2-85847875-G-A. GRCh37 (hg19) VCF-style: chr2-86074998-G-A.
Other names: p.Phe216=; c.579C>T, p.Phe193= (NM_001042437.2); c.264C>T, p.Phe88= (NM_001354223.2, NM_001354224.2, NM_001354226.2 and 3 more transcripts); c.564C>T, p.Phe188= (NM_001354227.2, NM_001354229.2, NM_001354238.1); c.-257C>T (NM_001354247.1); c.648C>T, p.Phe216= (NM_001363847.1).
Identifiers: ClinVar variation 197224 (VCV000197224.48), dbSNP rs149309844, ClinGen allele CA202756.

ClinVar aggregate classification (germline): Benign/Likely benign. Review status: criteria provided, multiple submitters, no conflicts (2 of 4 stars). 8 submissions from 8 submitters: Benign (3); Likely benign (5). Last evaluated 2026-09-01.

Conditions:
GM3 synthase deficiency (SPDRS). Also called: AMISH INFANTILE EPILEPSY SYNDROME; SALT AND PEPPER DEVELOPMENTAL REGRESSION SYNDROME; SALT AND PEPPER MENTAL RETARDATION SYNDROME. Identifiers: Orphanet 171714, Orphanet 370933, MedGen C1836824, MONDO:0018274, OMIM 609056.

Allele frequency attached by ClinVar (database versions not stated): 1000 Genomes Project 30x 0.00094; 1000 Genomes Project 0.00100; ExAC 0.00223; gnomAD exomes 0.00257 and 0.00411; gnomAD 0.00367 and 0.00369; TOPMed 0.00380; ESP Exome Variant Server 0.00438.
gnomAD v4.1: 6,550 of 1,613,822 alleles (0.41%); highest among the groups gnomAD compares: Admixed American, 0.5%; 19 homozygotes.

Submissions (8):

CeGaT Center for Human Genetics Tuebingen
Classification: Likely benign. Last evaluated: 2026-09-01. Review status: criteria provided, single submitter. Criteria: CeGaT Center For Human Genetics Tuebingen Variant Classification Criteria Version 2. Collection method: clinical testing. Allele origin: germline. Affected: yes. Observed: 9 variant alleles.
Comment: ST3GAL5: BP4, BP7, BS2

Labcorp Genetics (formerly Invitae), Labcorp
Classification: Benign for GM3 synthase deficiency. Last evaluated: 2026-01-31. Review status: criteria provided, single submitter. Criteria: Invitae Variant Classification Sherloc (09022015). Collection method: clinical testing. Allele origin: germline.

Mayo Clinic Laboratories, Mayo Clinic
Classification: Benign. Last evaluated: 2025-03-11. Review status: criteria provided, single submitter. Criteria: ACMG Guidelines, 2015. Collection method: clinical testing. Allele origin: germline. Observed: 6 variant alleles.
Comment: BS1, BS2, BP4, BP7

Blueprint Genetics
Classification: Likely benign. Last evaluated: 2024-11-20. Review status: criteria provided, single submitter. Criteria: ACMG Guidelines, 2015. Collection method: clinical testing. Allele origin: germline.

Athena Diagnostics
Classification: Benign. Last evaluated: 2018-10-24. Review status: criteria provided, single submitter. Criteria: Athena Diagnostics Criteria. Collection method: clinical testing. Allele origin: germline.

Illumina Laboratory Services, Illumina
Classification: Likely benign for GM3 synthase deficiency. Last evaluated: 2018-01-13. Review status: criteria provided, single submitter. Criteria: ICSL Variant Classification Criteria 13 December 2019. Collection method: clinical testing. Allele origin: germline.
Comment: This variant was observed in the ICSL laboratory as part of a predisposition screen in an ostensibly healthy population. It had not been previously curated by ICSL or reported in the Human Gene Mutation Database (HGMD: prior to June 1st, 2018), and was therefore a candidate for classification through an automated scoring system. Utilizing variant allele frequency, disease prevalence and penetrance estimates, and inheritance mode, an automated score was calculated to assess if this variant is too frequent to cause the disease. Based on the score and internal cut-off values, a variant classified as likely benign is not then subjected to further curation. The score for this variant resulted in a classification of likely benign for this disease.

Eurofins Ntd Llc (ga)
Classification: Likely benign. Last evaluated: 2014-10-13. Review status: criteria provided, single submitter. Criteria: EGL Classification Definitions 2015. Collection method: clinical testing. Allele origin: germline. Observed: 1 variant allele, 1 heterozygote.

Breakthrough Genomics
Classification: Likely benign. Review status: criteria provided, single submitter. Criteria: ACMG Guidelines, 2015. Collection method: not provided. Allele origin: germline. Inheritance: Autosomal recessive inheritance. Affected: yes.